The following is an entry in ClinVar:

ClinVar aggregate classification (germline): Uncertain significance (1 of 4 stars; one submission).

Conditions:
Hereditary cancer-predisposing syndrome. Also called: Neoplastic Syndromes, Hereditary; Tumor predisposition; Hereditary neoplastic syndrome; Hereditary Cancer Syndrome. Identifiers: Orphanet 140162, MedGen C0027672, MeSH D009386, MONDO:0015356.

Submission:

Ambry Genetics
Classification: Uncertain significance for Hereditary cancer-predisposing syndrome. Last evaluated: 2024-06-07. Review status: criteria provided, single submitter. Criteria: Ambry Variant Classification Scheme 2023. Collection method: clinical testing. Allele origin: germline.
Comment: The p.V1683L variant (also known as c.5047G>T), located in coding exon 38 of the TSC2 gene, results from a G to T substitution at nucleotide position 5047. The valine at codon 1683 is replaced by leucine, an amino acid with highly similar properties. This alteration was identified in a cohort of 374 patients with clinically suspected TSC undergoing genetic testing within the TSC1 and TSC2 genes (Meng Y et al. J Hum Genet, 2021 Mar;66:227-236). This amino acid position is highly conserved in available vertebrate species. In addition, this alteration is predicted to be deleterious by in silico analysis. Based on the available evidence, the clinical significance of this variant remains unclear.

Literature cited by the submitters: PubMed 32917966.

NM_000548.5(TSC2):c.5047G>T (p.Val1683Leu)

Gene: TSC2 (TSC complex subunit 2; plus strand). Cytogenetic location: 16p13.3.
Variant type: single nucleotide variant.
Coding change: c.5047G>T on transcript NM_000548.5 (MANE Select); coding-DNA position 5047, G replaced by T.
Protein change: p.Val1683Leu; replaces valine 1683 with leucine.
Molecular consequence: missense variant. On other transcripts: non-coding transcript variant (5).
Genome position (GRCh38, 1-based): chr16:2,087,920, G>T. VCF-style: chr16-2087920-G-T. GRCh37 (hg19) VCF-style: chr16-2137921-G-T.
Other names: c.4846G>T, p.Val1616Leu (NM_001077183.3); c.4978G>T, p.Val1660Leu (NM_001114382.3); c.4738G>T, p.Val1580Leu (NM_001318827.2); c.4702G>T, p.Val1568Leu (NM_001318829.2); c.4315G>T, p.Val1439Leu (NM_001318831.2); c.4879G>T, p.Val1627Leu (NM_001318832.2); c.4849G>T, p.Val1617Leu (NM_001363528.2); c.4831G>T, p.Val1611Leu (NM_001406675.1); and 26 more; short protein forms V1082L, V1191L, V1439L, V1459L, V1568L, V1610L, V1623L, V1657L.
Identifiers: ClinVar variation 3329482 (VCV003329482.1).